The following is an entry in ClinVar:

NM_001044385.3(TMEM237):c.424G>A (p.Ala142Thr)

Gene: TMEM237 (transmembrane protein 237; minus strand). Cytogenetic location: 2q33.1.
Variant type: single nucleotide variant.
Coding change: c.424G>A on transcript NM_001044385.3 (MANE Select); coding-DNA position 424, G replaced by A.
Protein change: p.Ala142Thr; replaces alanine 142 with threonine.
Molecular consequence: missense variant.
Genome position (GRCh38, 1-based): chr2:201,632,180, C>T on the plus strand (G>A on the coding strand, the complement: TMEM237 is on the minus strand). VCF-style: chr2-201632180-C-T. GRCh37 (hg19) VCF-style: chr2-202496903-C-T.
Other names: c.400G>A, p.Ala134Thr (NM_152388.4); short protein forms A134T, A142T.
Identifiers: ClinVar variation 1489675 (VCV001489675.3), dbSNP rs2105900282, ClinGen allele CA350313434.

ClinVar aggregate classification (germline): Uncertain significance (1 of 4 stars; one submission).

Conditions:
Joubert syndrome 14 (JBTS14). Identifiers: MedGen C3280766, MONDO:0013745, OMIM 614424.

Submission:

Labcorp Genetics (formerly Invitae), Labcorp
Classification: Uncertain significance for Joubert syndrome 14. Last evaluated: 2022-07-06. Review status: criteria provided, single submitter. Criteria: Invitae Variant Classification Sherloc (09022015). Collection method: clinical testing. Allele origin: germline.
Comment: This sequence change replaces alanine, which is neutral and non-polar, with threonine, which is neutral and polar, at codon 142 of the TMEM237 protein (p.Ala142Thr). This variant is not present in population databases (gnomAD no frequency). This variant has not been reported in the literature in individuals affected with TMEM237-related conditions. ClinVar contains an entry for this variant (Variation ID: 1489675). Algorithms developed to predict the effect of missense changes on protein structure and function output the following: SIFT: "Tolerated"; PolyPhen-2: "Benign"; Align-GVGD: "Class C0". The threonine amino acid residue is found in multiple mammalian species, which suggests that this missense change does not adversely affect protein function. In summary, the available evidence is currently insufficient to determine the role of this variant in disease. Therefore, it has been classified as a Variant of Uncertain Significance.